The following is an entry in ClinVar:

NM_016239.4(MYO15A):c.5686_5687dup (p.Ser1896fs)

Gene: MYO15A (myosin XVA; plus strand). Cytogenetic location: 17p11.2.
Variant type: Microsatellite.
Coding change: c.5686_5687dup on transcript NM_016239.4 (MANE Select); coding-DNA positions 5686 to 5687, 2 bases duplicated (AG; older notation c.5686_5687dupAG).
Protein change: p.Ser1896fs; shifts the reading frame from serine 1896.
Molecular consequence: frameshift variant.
Genome position (GRCh38, 1-based): chr17:18,142,115-18,142,116, AG duplicated; duplicating any 2 consecutive bases within chr17:18,142,112-18,142,116 gives the same sequence; the c. name uses the placement nearest the transcript's 3' end. VCF-style (leftmost placement, unchanged base first): chr17-18142111-G-GGA. GRCh37 (hg19) VCF-style: chr17-18045425-G-GGA.
Other names: short protein forms S1896fs.
Identifiers: ClinVar variation 2093698 (VCV002093698.4), dbSNP rs2545259458, ClinGen allele CA2580614030.

ClinVar aggregate classification (germline): Pathogenic (1 of 4 stars; one submission).

Submission:

Labcorp Genetics (formerly Invitae), Labcorp
Classification: Pathogenic. Last evaluated: 2022-11-01. Review status: criteria provided, single submitter. Criteria: Invitae Variant Classification Sherloc (09022015). Collection method: clinical testing. Allele origin: germline.
Comment: For these reasons, this variant has been classified as Pathogenic. This variant has not been reported in the literature in individuals affected with MYO15A-related conditions. This variant is not present in population databases (gnomAD no frequency). This sequence change creates a premature translational stop signal (p.Ser1896Argfs*8) in the MYO15A gene. It is expected to result in an absent or disrupted protein product. Loss-of-function variants in MYO15A are known to be pathogenic (PMID: 17546645).

Literature cited by the submitters: PubMed 17546645.